The following is an entry in ClinVar:

ClinVar aggregate classification (germline): Pathogenic/Likely pathogenic. Review status: criteria provided, multiple submitters, no conflicts (2 of 4 stars). 3 submissions from 3 submitters: Pathogenic (1); Likely pathogenic (2). Last evaluated 2025-08-29.

Conditions:
Hypophosphatasia. Also called: Phosphoethanol-aminuria. Identifiers: Orphanet 436, MedGen C0020630, MeSH D007014, MONDO:0018570.

Submissions (3):

Genomenon, Inc
Classification: Likely pathogenic for Hypophosphatasia. Last evaluated: 2025-08-29. Review status: criteria provided, single submitter. Criteria: Genomenon Sequence Variant Interpretation Standards. Collection method: curation. Allele origin: germline. Affected: yes.
Comment: ALPL c.1018C>T is a missense variant that changes the amino acid at residue 340 from Histidine to Tyrosine. This variant has been observed in at least one proband affected with hypophosphatasia (PMID:38884565). It is absent or not present at a significant frequency in gnomAD. In silico models agree that this variant is possibly or probably damaging. In conclusion, we classify ALPL p.His340Tyr (c.1018C>T) as a likely pathogenic variant.

Labcorp Genetics (formerly Invitae), Labcorp
Classification: Pathogenic. Last evaluated: 2024-10-07. Review status: criteria provided, single submitter. Criteria: Invitae Variant Classification Sherloc (09022015). Collection method: clinical testing. Allele origin: germline.
Comment: This sequence change replaces histidine, which is basic and polar, with tyrosine, which is neutral and polar, at codon 340 of the ALPL protein (p.His340Tyr). This variant is not present in population databases (gnomAD no frequency). This missense change has been observed in individuals with clinical features of hypophosphatasia (PMID: 32879991, 33191482; internal data). ClinVar contains an entry for this variant (Variation ID: 2032693). Invitae Evidence Modeling of protein sequence and biophysical properties (such as structural, functional, and spatial information, amino acid conservation, physicochemical variation, residue mobility, and thermodynamic stability) indicates that this missense variant is expected to disrupt ALPL protein function with a positive predictive value of 95%. This variant disrupts the p.His340 amino acid residue in ALPL. Other variant(s) that disrupt this residue have been observed in individuals with ALPL-related conditions (PMID: 33191482, 34258332), which suggests that this may be a clinically significant amino acid residue. For these reasons, this variant has been classified as Pathogenic.

JKU Lab, Dept of Paediatrics, Johannes Kepler University
Classification: Likely pathogenic for Hypophosphatasia. Last evaluated: 2024-02-29. Review status: criteria provided, single submitter. Criteria: ACMG Guidelines, 2015. Collection method: clinical testing. Allele origin: germline. Affected: yes.
Comment: The variant is absent from GnomAD. The ACMG criteria applied can be looked up in the ALPL gene variant database.

Literature cited by the submitters: PubMed 38884565 (cited by Genomenon, Inc); PubMed 32879991 (cited by Labcorp Genetics (formerly Invitae), Labcorp and JKU Lab, Dept of Paediatrics, Johannes Kepler University); PubMed 33191482 (cited by Labcorp Genetics (formerly Invitae), Labcorp and JKU Lab, Dept of Paediatrics, Johannes Kepler University); PubMed 34258332 (cited by Labcorp Genetics (formerly Invitae), Labcorp).

NM_000478.6(ALPL):c.1018C>T (p.His340Tyr)

Gene: ALPL (alkaline phosphatase, biomineralization associated; plus strand). Cytogenetic location: 1p36.12.
Variant type: single nucleotide variant.
Coding change: c.1018C>T on transcript NM_000478.6 (MANE Select); coding-DNA position 1018, C replaced by T.
Protein change: p.His340Tyr; replaces histidine 340 with tyrosine.
Molecular consequence: missense variant.
Genome position (GRCh38, 1-based): chr1:21,575,753, C>T. VCF-style: chr1-21575753-C-T. GRCh37 (hg19) VCF-style: chr1-21902246-C-T.
Other names: c.853C>T, p.His285Tyr (NM_001127501.4); c.787C>T, p.His263Tyr (NM_001177520.3); c.1018C>T, p.His340Tyr (NM_001369803.2, NM_001369804.2, NM_001369805.2); short protein forms H340Y, H263Y, H285Y.
Identifiers: ClinVar variation 2032693 (VCV002032693.7), dbSNP rs2545342009, ClinGen allele CA338881005.